The following is an entry in ClinVar:

NM_017547.4(FOXRED1):c.266G>A (p.Arg89Gln)

Gene: FOXRED1 (FAD dependent oxidoreductase domain containing 1; plus strand). Cytogenetic location: 11q24.2.
Variant type: single nucleotide variant.
Coding change: c.266G>A on transcript NM_017547.4 (MANE Select); coding-DNA position 266, G replaced by A.
Protein change: p.Arg89Gln; replaces arginine 89 with glutamine.
Molecular consequence: missense variant. On other transcripts: non-coding transcript variant (1).
Genome position (GRCh38, 1-based): chr11:126,271,617, G>A. VCF-style: chr11-126271617-G-A. GRCh37 (hg19) VCF-style: chr11-126141512-G-A.
Other names: c.266G>A (NM_017547.3); short protein forms R89Q.
Identifiers: ClinVar variation 1439155 (VCV001439155.6), dbSNP rs766212625, ClinGen allele CA6354013.

ClinVar aggregate classification (germline): Conflicting classifications of pathogenicity. Review status: criteria provided, conflicting classifications (1 of 4 stars). 3 submissions from 3 submitters: Uncertain significance (1); Likely benign (2). Last evaluated 2025-02-14.

Conditions:
Inborn genetic diseases. Identifiers: MedGen C0950123, MeSH D030342.

Allele frequency attached by ClinVar (database versions not stated): gnomAD exomes 0.00002 and 0.00006; ExAC 0.00003; gnomAD 0.00005; TOPMed 0.00006.
gnomAD v4.1: 69 of 1,614,034 alleles (0.0043%); highest among the groups gnomAD compares: East Asian, 0.027%; no homozygotes.

Submissions (3):

Ambry Genetics
Classification: Likely benign for Inborn genetic diseases. Last evaluated: 2025-02-14. Review status: criteria provided, single submitter. Criteria: Ambry Variant Classification Scheme 2023. Collection method: clinical testing. Allele origin: germline.

Blueprint Genetics
Classification: Likely benign. Last evaluated: 2024-11-25. Review status: criteria provided, single submitter. Criteria: ACMG Guidelines, 2015. Collection method: clinical testing. Allele origin: germline.

Labcorp Genetics (formerly Invitae), Labcorp
Classification: Uncertain significance. Last evaluated: 2024-04-15. Review status: criteria provided, single submitter. Criteria: Invitae Variant Classification Sherloc (09022015). Collection method: clinical testing. Allele origin: germline.
Comment: This sequence change replaces arginine, which is basic and polar, with glutamine, which is neutral and polar, at codon 89 of the FOXRED1 protein (p.Arg89Gln). This variant is present in population databases (rs766212625, gnomAD 0.04%). This variant has not been reported in the literature in individuals affected with FOXRED1-related conditions. ClinVar contains an entry for this variant (Variation ID: 1439155). Advanced modeling of protein sequence and biophysical properties (such as structural, functional, and spatial information, amino acid conservation, physicochemical variation, residue mobility, and thermodynamic stability) performed at Invitae indicates that this missense variant is not expected to disrupt FOXRED1 protein function with a negative predictive value of 80%. Algorithms developed to predict the effect of sequence changes on RNA splicing suggest that this variant may create or strengthen a splice site. In summary, the available evidence is currently insufficient to determine the role of this variant in disease. Therefore, it has been classified as a Variant of Uncertain Significance.